The following is an entry in ClinVar:

ClinVar aggregate classification (germline): Benign/Likely benign. Review status: criteria provided, multiple submitters, no conflicts (2 of 4 stars). 3 submissions from 3 submitters: Benign (2); Likely benign (1). Last evaluated 2023-01-01.

Allele frequency attached by ClinVar (database versions not stated): 1000 Genomes Project 0.00180; 1000 Genomes Project 30x 0.00219; ESP Exome Variant Server 0.00269; gnomAD 0.00299 and 0.00302; TOPMed 0.00326; gnomAD exomes 0.00391 and 0.00416; ExAC 0.00395.
gnomAD v4.1: 6,139 of 1,611,566 alleles (0.38%); highest among the groups gnomAD compares: Admixed American, 0.93%; 22 homozygotes.

Submissions (3):

CeGaT Center for Human Genetics Tuebingen
Classification: Likely benign. Last evaluated: 2023-01-01. Review status: criteria provided, single submitter. Criteria: CeGaT Center For Human Genetics Tuebingen Variant Classification Criteria Version 2. Collection method: clinical testing. Allele origin: germline. Affected: yes. Observed: 1 variant allele.
Comment: IL1RL1: BP4, BS2

Labcorp Genetics (formerly Invitae), Labcorp
Classification: Benign. Last evaluated: 2018-08-15. Review status: criteria provided, single submitter. Criteria: Invitae Variant Classification Sherloc (09022015). Collection method: clinical testing. Allele origin: germline.

Breakthrough Genomics
Classification: Benign. Review status: criteria provided, single submitter. Criteria: ACMG Guidelines, 2015. Collection method: not provided. Allele origin: germline. Inheritance: Unknown mechanism. Affected: yes.

NM_016232.5(IL33R):c.646G>A (p.Ala216Thr)

Gene: IL33R (interleukin 33 receptor; plus strand). Cytogenetic location: 2q12.1.
Variant type: single nucleotide variant.
Coding change: c.646G>A on transcript NM_016232.5 (MANE Select); coding-DNA position 646, G replaced by A.
Protein change: p.Ala216Thr; replaces alanine 216 with threonine.
Molecular consequence: missense variant. On other transcripts: non-coding transcript variant (1).
Genome position (GRCh38, 1-based): chr2:102,342,258, G>A. VCF-style: chr2-102342258-G-A. GRCh37 (hg19) VCF-style: chr2-102958718-G-A.
Other names: c.295G>A, p.Ala99Thr (NM_001282408.2); c.646G>A, p.Ala216Thr (NM_003856.4); short protein forms A216T, A99T.
Identifiers: ClinVar variation 711194 (VCV000711194.28), dbSNP rs111970215, ClinGen allele CA1809430.